The following is an entry in ClinVar:

ClinVar aggregate classification (germline): Uncertain significance (1 of 4 stars; one submission).

Conditions:
Congenital contractural arachnodactyly (CCA). Also called: BEALS SYNDROME; Arthrogryposis, distal, type 9; Beals-Hecht syndrome. Identifiers: Orphanet 115, MedGen C0220668, MONDO:0007363, OMIM 121050.

Submission:

Labcorp Genetics (formerly Invitae), Labcorp
Classification: Uncertain significance for Congenital contractural arachnodactyly. Last evaluated: 2024-03-27. Review status: criteria provided, single submitter. Criteria: Invitae Variant Classification Sherloc (09022015). Collection method: clinical testing. Allele origin: germline.
Comment: This sequence change replaces glutamic acid, which is acidic and polar, with lysine, which is basic and polar, at codon 2790 of the FBN2 protein (p.Glu2790Lys). This variant is not present in population databases (gnomAD no frequency). This variant has not been reported in the literature in individuals affected with FBN2-related conditions. Advanced modeling of protein sequence and biophysical properties (such as structural, functional, and spatial information, amino acid conservation, physicochemical variation, residue mobility, and thermodynamic stability) performed at Invitae indicates that this missense variant is not expected to disrupt FBN2 protein function with a negative predictive value of 80%. In summary, the available evidence is currently insufficient to determine the role of this variant in disease. Therefore, it has been classified as a Variant of Uncertain Significance.

NM_001999.4(FBN2):c.8368G>A (p.Glu2790Lys)

Gene: FBN2 (fibrillin 2; minus strand). Cytogenetic location: 5q23.3.
Variant type: single nucleotide variant.
Coding change: c.8368G>A on transcript NM_001999.4 (MANE Select); coding-DNA position 8368, G replaced by A.
Protein change: p.Glu2790Lys; replaces glutamic acid 2790 with lysine.
Molecular consequence: missense variant.
Genome position (GRCh38, 1-based): chr5:128,259,826, C>T on the plus strand (G>A on the coding strand, the complement: FBN2 is on the minus strand). VCF-style: chr5-128259826-C-T. GRCh37 (hg19) VCF-style: chr5-127595518-C-T.
Other names: short protein forms E2790K.
Identifiers: ClinVar variation 3645760 (VCV003645760.2).